The following is an entry in ClinVar:

NM_000287.4(PEX6):c.599G>A (p.Gly200Glu)

Gene: PEX6 (peroxisomal biogenesis factor 6; minus strand). Cytogenetic location: 6p21.1.
Variant type: single nucleotide variant.
Coding change: c.599G>A on transcript NM_000287.4 (MANE Select); coding-DNA position 599, G replaced by A.
Protein change: p.Gly200Glu; replaces glycine 200 with glutamic acid.
Molecular consequence: missense variant. On other transcripts: non-coding transcript variant (1).
Genome position (GRCh38, 1-based): chr6:42,978,552, C>T on the plus strand (G>A on the coding strand, the complement: PEX6 is on the minus strand). VCF-style: chr6-42978552-C-T. GRCh37 (hg19) VCF-style: chr6-42946290-C-T.
Other names: c.599G>A, p.Gly200Glu (NM_001316313.2); short protein forms G200E.
Identifiers: ClinVar variation 2003440 (VCV002003440.3), dbSNP rs2481278039, ClinGen allele CA364163541.

ClinVar aggregate classification (germline): Uncertain significance (1 of 4 stars; one submission).

Conditions:
Peroxisome biogenesis disorder. Identifiers: Orphanet 79189, MedGen C1832200, MONDO:0019234. Disease mechanism: loss of function.

Submission:

Labcorp Genetics (formerly Invitae), Labcorp
Classification: Uncertain significance for Peroxisome biogenesis disorder. Last evaluated: 2022-06-08. Review status: criteria provided, single submitter. Criteria: Invitae Variant Classification Sherloc (09022015). Collection method: clinical testing. Allele origin: germline.
Comment: In summary, the available evidence is currently insufficient to determine the role of this variant in disease. Therefore, it has been classified as a Variant of Uncertain Significance. Algorithms developed to predict the effect of missense changes on protein structure and function are either unavailable or do not agree on the potential impact of this missense change (SIFT: "Tolerated"; PolyPhen-2: "Probably Damaging"; Align-GVGD: "Class C0"). This variant has not been reported in the literature in individuals affected with PEX6-related conditions. This variant is not present in population databases (gnomAD no frequency). This sequence change replaces glycine, which is neutral and non-polar, with glutamic acid, which is acidic and polar, at codon 200 of the PEX6 protein (p.Gly200Glu).